The following is an entry in ClinVar:

NM_003014.4(SFRP4):c.413C>T (p.Ser138Leu)

Gene: SFRP4 (secreted frizzled related protein 4; minus strand). Cytogenetic location: 7p14.1.
Variant type: single nucleotide variant.
Coding change: c.413C>T on transcript NM_003014.4 (MANE Select); coding-DNA position 413, C replaced by T.
Protein change: p.Ser138Leu; replaces serine 138 with leucine.
Molecular consequence: missense variant.
Genome position (GRCh38, 1-based): chr7:37,916,125, G>A on the plus strand (C>T on the coding strand, the complement: SFRP4 is on the minus strand). VCF-style: chr7-37916125-G-A. GRCh37 (hg19) VCF-style: chr7-37955727-G-A.
Other names: short protein forms S138L.
Identifiers: ClinVar variation 1351222 (VCV001351222.8), dbSNP rs774089133, ClinGen allele CA4222883.

ClinVar aggregate classification (germline): Uncertain significance (1 of 4 stars; one submission).

Allele frequency attached by ClinVar (database versions not stated): gnomAD exomes below 0.00001; ExAC 0.00001.
gnomAD v4.1: 1 of 1,613,900 alleles (0.000062%); highest among the groups gnomAD compares: Non-Finnish European, 0.000085%; no homozygotes.

Submission:

Labcorp Genetics (formerly Invitae), Labcorp
Classification: Uncertain significance. Last evaluated: 2022-02-10. Review status: criteria provided, single submitter. Criteria: Invitae Variant Classification Sherloc (09022015). Collection method: clinical testing. Allele origin: germline.
Comment: This variant has not been reported in the literature in individuals affected with SFRP4-related conditions. In summary, the available evidence is currently insufficient to determine the role of this variant in disease. Therefore, it has been classified as a Variant of Uncertain Significance. Algorithms developed to predict the effect of missense changes on protein structure and function are either unavailable or do not agree on the potential impact of this missense change (SIFT: "Deleterious"; PolyPhen-2: "Probably Damaging"; Align-GVGD: "Class C0"). This variant is present in population databases (rs774089133, gnomAD 0.0009%). This sequence change replaces serine, which is neutral and polar, with leucine, which is neutral and non-polar, at codon 138 of the SFRP4 protein (p.Ser138Leu).